The following is an entry in ClinVar:

ClinVar aggregate classification (germline): Uncertain significance (1 of 4 stars; one submission).

Conditions:
Inborn genetic diseases. Identifiers: MedGen C0950123, MeSH D030342.

Submission:

Ambry Genetics
Classification: Uncertain significance for Inborn genetic diseases. Last evaluated: 2025-02-04. Review status: criteria provided, single submitter. Criteria: Ambry Variant Classification Scheme 2023. Collection method: clinical testing. Allele origin: germline.
Comment: The p.T1027A variant (also known as c.3079A>G), located in coding exon 13 of the BMPR2 gene, results from an A to G substitution at nucleotide position 3079. The threonine at codon 1027 is replaced by alanine, an amino acid with similar properties. This amino acid position is conserved. In addition, the in silico prediction for this alteration is inconclusive. Based on the available evidence, the clinical significance of this variant remains unclear.

NM_001204.7(BMPR2):c.3079A>G (p.Thr1027Ala)

Gene: BMPR2 (bone morphogenetic protein receptor type 2; plus strand). Cytogenetic location: 2q33.2.
Variant type: single nucleotide variant.
Coding change: c.3079A>G on transcript NM_001204.7 (MANE Select); coding-DNA position 3079, A replaced by G.
Protein change: p.Thr1027Ala; replaces threonine 1027 with alanine.
Molecular consequence: missense variant.
Genome position (GRCh38, 1-based): chr2:202,559,908, A>G. VCF-style: chr2-202559908-A-G. GRCh37 (hg19) VCF-style: chr2-203424631-A-G.
Other names: short protein forms T1027A.
Identifiers: ClinVar variation 3824880 (VCV003824880.1).